The following is an entry in ClinVar:

ClinVar aggregate classification (germline): Pathogenic (1 of 4 stars; one submission).

Conditions:
Severe X-linked myotubular myopathy (CNMX). Also called: X-linked centronuclear myopathy; Myotubular myopathy, X-linked; MYOTUBULAR MYOPATHY 1. Identifiers: Orphanet 596, MedGen C0410203, MONDO:0010683, OMIM 310400.

Submission:

Labcorp Genetics (formerly Invitae), Labcorp
Classification: Pathogenic for Severe X-linked myotubular myopathy. Last evaluated: 2022-06-03. Review status: criteria provided, single submitter. Criteria: Invitae Variant Classification Sherloc (09022015). Collection method: clinical testing. Allele origin: germline.
Comment: ClinVar contains an entry for this variant (Variation ID: 969486). For these reasons, this variant has been classified as Pathogenic. This variant has not been reported in the literature in individuals affected with MTM1-related conditions. This variant is not present in population databases (gnomAD no frequency). This sequence change creates a premature translational stop signal (p.Gln244*) in the MTM1 gene. It is expected to result in an absent or disrupted protein product. Loss-of-function variants in MTM1 are known to be pathogenic (PMID: 9305655, 10063835).

Literature cited by the submitters: PubMed 9305655; PubMed 10063835.

NM_000252.3(MTM1):c.730C>T (p.Gln244Ter)

Gene: MTM1 (myotubularin 1; plus strand). Cytogenetic location: Xq28.
Variant type: single nucleotide variant.
Coding change: c.730C>T on transcript NM_000252.3 (MANE Select); coding-DNA position 730, C replaced by T.
Protein change: p.Gln244Ter; replaces glutamine 244 with a stop codon.
Molecular consequence: nonsense.
Genome position (GRCh38, 1-based): chrX:150,645,734, C>T. VCF-style: chrX-150645734-C-T. GRCh37 (hg19) VCF-style: chrX-149814207-C-T.
Other names: c.730C>T, p.Gln244Ter (NM_001376906.1, NM_001376908.1); c.619C>T, p.Gln207Ter (NM_001376907.1); short protein forms Q207*, Q244*.
Identifiers: ClinVar variation 969486 (VCV000969486.8), dbSNP rs2039919698, ClinGen allele CA415256398.